The following is an entry in ClinVar:

ClinVar aggregate classification (germline): Uncertain significance (1 of 4 stars; one submission).

Submission:

Labcorp Genetics (formerly Invitae), Labcorp
Classification: Uncertain significance. Last evaluated: 2023-02-26. Review status: criteria provided, single submitter. Criteria: Invitae Variant Classification Sherloc (09022015). Collection method: clinical testing. Allele origin: germline.
Comment: This variant is not present in population databases (gnomAD no frequency). In summary, the available evidence is currently insufficient to determine the role of this variant in disease. Therefore, it has been classified as a Variant of Uncertain Significance. Algorithms developed to predict the effect of missense changes on protein structure and function output the following: SIFT: "Not Available"; PolyPhen-2: "Benign"; Align-GVGD: "Not Available". The lysine amino acid residue is found in multiple mammalian species, which suggests that this missense change does not adversely affect protein function. This variant has not been reported in the literature in individuals affected with ALPK3-related conditions. This sequence change replaces glutamic acid, which is acidic and polar, with lysine, which is basic and polar, at codon 329 of the ALPK3 protein (p.Glu329Lys).

NM_020778.5(ALPK3):c.379G>A (p.Glu127Lys)

Gene: ALPK3 (alpha kinase 3; plus strand). Cytogenetic location: 15q25.3.
Variant type: single nucleotide variant.
Coding change: c.379G>A on transcript NM_020778.5 (MANE Select); coding-DNA position 379, G replaced by A.
Protein change: p.Glu127Lys; replaces glutamic acid 127 with lysine.
Molecular consequence: missense variant.
Genome position (GRCh38, 1-based): chr15:84,839,054, G>A. VCF-style: chr15-84839054-G-A. GRCh37 (hg19) VCF-style: chr15-85382285-G-A.
Other names: short protein forms E127K.
Identifiers: ClinVar variation 2840899 (VCV002840899.3), dbSNP rs1963626407, ClinGen allele CA393371943.